The following is an entry in ClinVar:

ClinVar aggregate classification (germline): Pathogenic (1 of 4 stars; one submission).

Conditions:
Schimke immuno-osseous dysplasia (SIOD). Also called: Schimke Immunoosseous Dysplasia. Identifiers: Orphanet 1830, MedGen C0877024, MONDO:0009458, OMIM 242900.

Submission:

Labcorp Genetics (formerly Invitae), Labcorp
Classification: Pathogenic for Schimke immuno-osseous dysplasia. Last evaluated: 2023-01-12. Review status: criteria provided, single submitter. Criteria: Invitae Variant Classification Sherloc (09022015). Collection method: clinical testing. Allele origin: germline.
Comment: For these reasons, this variant has been classified as Pathogenic. ClinVar contains an entry for this variant (Variation ID: 1360533). This variant has not been reported in the literature in individuals affected with SMARCAL1-related conditions. This variant is not present in population databases (gnomAD no frequency). This sequence change creates a premature translational stop signal (p.Val545Leufs*25) in the SMARCAL1 gene. It is expected to result in an absent or disrupted protein product. Loss-of-function variants in SMARCAL1 are known to be pathogenic (PMID: 11799392, 20301550).

Literature cited by the submitters: PubMed 11799392; PubMed 20301550.

NM_014140.4(SMARCAL1):c.1632del (p.Val545fs)

Gene: SMARCAL1 (SNF2 related chromatin remodeling annealing helicase 1; plus strand). Cytogenetic location: 2q35.
Variant type: Deletion.
Coding change: c.1632del on transcript NM_014140.4 (MANE Select); coding-DNA position 1632, one base deleted (A; older notation c.1632delA).
Protein change: p.Val545fs; shifts the reading frame from valine 545.
Molecular consequence: frameshift variant.
Genome position (GRCh38, 1-based): chr2:216,435,484, A deleted; the last of 3 consecutive A bases (chr2:216,435,482-216,435,484); deleting any one gives the same sequence. VCF-style (leftmost placement, unchanged base first): chr2-216435481-TA-T. GRCh37 (hg19) VCF-style: chr2-217300204-TA-T.
Other names: c.1632del, p.Val545fs (NM_001127207.2); short protein forms V545fs.
Identifiers: ClinVar variation 1360533 (VCV001360533.7), dbSNP rs2106037184, ClinGen allele CA2573135267.